The following is an entry in ClinVar:

ClinVar aggregate classification (germline): Pathogenic. Review status: criteria provided, multiple submitters, no conflicts (2 of 4 stars). 2 submissions from 2 submitters: Pathogenic (2). Last evaluated 2020-06-29.

Conditions:
Becker muscular dystrophy (BMD). Also called: Becker Muscular Dystrophy (BMD); MUSCULAR DYSTROPHY, PSEUDOHYPERTROPHIC PROGRESSIVE, BECKER TYPE. Identifiers: Orphanet 98895, MedGen C0917713, MONDO:0010311, OMIM 300376.
Duchenne muscular dystrophy (DMD). Also called: Duchenne Muscular Dystrophy (DMD); MUSCULAR DYSTROPHY, PSEUDOHYPERTROPHIC PROGRESSIVE, DUCHENNE TYPE. Identifiers: Orphanet 98896, MedGen C0013264, MONDO:0010679, OMIM 310200.

Submissions (2):

Breakthrough Genomics
Classification: Pathogenic for Becker muscular dystrophy. Last evaluated: 2020-06-29. Review status: criteria provided, single submitter. Criteria: ACMG Guidelines, 2015. Collection method: clinical testing. Allele origin: germline. Affected: yes.
Comment: In addition, using mini gene assays and in silico splice prediction tools, this variant was predicted to cause exon skipping suggesting its loss-of-function [PMID: 31919629].

Mendelics
Classification: Pathogenic for Duchenne muscular dystrophy. Last evaluated: 2019-05-28. Review status: criteria provided, single submitter. Criteria: Mendelics Assertion Criteria 2017. Collection method: clinical testing. Allele origin: unknown.

NM_004006.3(DMD):c.4327C>T (p.Gln1443Ter)

Gene: DMD (dystrophin; minus strand). Cytogenetic location: Xp21.1.
Variant type: single nucleotide variant.
Coding change: c.4327C>T on transcript NM_004006.3 (MANE Select); coding-DNA position 4327, C replaced by T.
Protein change: p.Gln1443Ter; replaces glutamine 1443 with a stop codon.
Molecular consequence: nonsense.
Genome position (GRCh38, 1-based): chrX:32,390,088, G>A on the plus strand (C>T on the coding strand, the complement: DMD is on the minus strand). VCF-style: chrX-32390088-G-A. GRCh37 (hg19) VCF-style: chrX-32408205-G-A.
Other names: p.Gln1443Ter; c.4303C>T, p.Gln1435Ter (NM_000109.4); c.4315C>T, p.Gln1439Ter (NM_004009.3); c.3958C>T, p.Gln1320Ter (NM_004010.3); c.304C>T, p.Gln102Ter (NM_004011.4); c.295C>T, p.Gln99Ter (NM_004012.4); short protein forms Q102*, Q1439*, Q99*, Q1320*, Q1443*, Q1435*.
Identifiers: ClinVar variation 803878 (VCV000803878.4), dbSNP rs1603632322, ClinGen allele CA412663932.
Genomic context (GRCh38, chrX:32,390,088, plus strand): 5'-GCCCAACGAAAACACGTTCCTTAGTTTCTGAAATAACATATACCTGTGCAACATCAATCT[G>A]AGACAGGACTCTTTGGGCAGCCTCCTTCCCCTGATTATGTTTCTTCATTTCTTCTAAACT-3'